The following is an entry in ClinVar:

NM_015272.5(RPGRIP1L):c.3363G>A (p.Pro1121=)

Gene: RPGRIP1L (RPGRIP1 like; minus strand). Cytogenetic location: 16q12.2.
Variant type: single nucleotide variant.
Coding change: c.3363G>A on transcript NM_015272.5 (MANE Select); coding-DNA position 3363, G replaced by A.
Protein change: p.Pro1121=; no amino-acid change (proline 1121 retained).
Molecular consequence: synonymous variant. On other transcripts: intron variant (2).
Genome position (GRCh38, 1-based): chr16:53,622,288, C>T on the plus strand (G>A on the coding strand, the complement: RPGRIP1L is on the minus strand). VCF-style: chr16-53622288-C-T. GRCh37 (hg19) VCF-style: chr16-53656200-C-T.
Other names: c.3261G>A, p.Pro1087= (NM_001330538.2); c.3193-3080G>A (NM_001127897.4); c.3295-3080G>A (NM_001308334.3); c.3363G>A (NM_015272.4).
Identifiers: ClinVar variation 2143225 (VCV002143225.6), dbSNP rs1269019830, ClinGen allele CA495538066.

ClinVar aggregate classification (germline): Likely benign. Review status: criteria provided, multiple submitters, no conflicts (2 of 4 stars). 3 submissions from 3 submitters: Likely benign (2). 1 of the submissions does not count toward it. Last evaluated 2024-07-23.

Conditions:
RPGRIP1L-related disorder. Also called: RPGRIP1L-related disorders; RPGRIP1L-related condition. Identifiers: MedGen CN239416.
Meckel-Gruber syndrome. Also called: Dysencephalia splachnocystica; GRUBER SYNDROME; DYSENCEPHALIA SPLANCHNOCYSTICA. Identifiers: Orphanet 564, MedGen C0265215, MONDO:0018921.
Joubert syndrome. Also called: Familial aplasia of the vermis; JOUBERT-BOLTSHAUSER SYNDROME. Identifiers: Orphanet 475, MedGen C5979921, MONDO:0018772.

Allele frequency attached by ClinVar (database versions not stated): gnomAD 0.00003; gnomAD exomes 0.00004.
gnomAD v4.1: 21 of 654,384 alleles (0.0032%); highest among the groups gnomAD compares: Non-Finnish European, 0.0048%; no homozygotes.

Submissions (3):

Labcorp Genetics (formerly Invitae), Labcorp
Classification: Likely benign for Joubert syndrome; Meckel-Gruber syndrome. Last evaluated: 2024-07-23. Review status: criteria provided, single submitter. Criteria: Invitae Variant Classification Sherloc (09022015). Collection method: clinical testing. Allele origin: germline.

Breakthrough Genomics
Classification: Likely benign. Review status: criteria provided, single submitter. Criteria: ACMG Guidelines, 2015. Collection method: not provided. Allele origin: germline. Inheritance: Autosomal recessive inheritance. Affected: yes.

PreventionGenetics, part of Exact Sciences
Classification: Likely benign for RPGRIP1L-related condition. Last evaluated: 2024-08-24. Review status: no assertion criteria provided. Collection method: clinical testing. Allele origin: germline. Not counted in ClinVar's aggregate classification.
Comment: This variant is classified as likely benign based on ACMG/AMP sequence variant interpretation guidelines (Richards et al. 2015 PMID: 25741868, with internal and published modifications).